The following is an entry in ClinVar:

NM_000051.4(ATM):c.7277_7279delinsCCT (p.Leu2426_Leu2427delinsProPhe)

Genes: ATM (ATM serine/threonine kinase; plus strand), C11orf65 (chromosome 11 open reading frame 65; minus strand). Cytogenetic location: 11q22.3.
Variant type: Indel.
Coding change: c.7277_7279delinsCCT on transcript NM_000051.4 (MANE Select); coding-DNA positions 7277 to 7279, TCC replaced by CCT.
Protein change: p.Leu2426_Leu2427delinsProPhe.
Molecular consequence: missense variant. On other transcripts: intron variant (2).
Genome position (GRCh38, 1-based): chr11:108,329,208-108,329,210, TCC replaced by CCT. VCF-style: chr11-108329208-TCC-CCT. GRCh37 (hg19) VCF-style: chr11-108199935-TCC-CCT.
Other names: c.7277_7279delinsCCT, p.Leu2426_Leu2427delinsProPhe (NM_001351834.2); c.641-20139_641-20137delinsAGG (NM_001330368.2); c.*38+6010_*38+6012delinsAGG (NM_001351110.2).
Identifiers: ClinVar variation 1758033 (VCV001758033.2), dbSNP rs2547250609, ClinGen allele CA2580083333.
Genomic context (GRCh38, chr11:108,329,208, plus strand): 5'-AATCATCGGAATTTGAAAACAAGCAAGCTCTCCTGAAAAGAGCCAAAGAGGAAGTAGGTC[TCC>CCT]TTAGGGAACATAAAATTCAGACAAACAGGTAACTAGGTTTCTACAAGTGACAATTTTATG-3'

ClinVar aggregate classification (germline): Uncertain significance (1 of 4 stars; one submission).

Conditions:
Hereditary cancer-predisposing syndrome. Also called: Hereditary neoplastic syndrome; Neoplastic Syndromes, Hereditary; Tumor predisposition; Hereditary Cancer Syndrome. Identifiers: Orphanet 140162, MedGen C0027672, MeSH D009386, MONDO:0015356.

Submission:

Ambry Genetics
Classification: Uncertain significance for Hereditary cancer-predisposing syndrome. Last evaluated: 2022-07-06. Review status: criteria provided, single submitter. Criteria: Ambry Variant Classification Scheme 2023. Collection method: clinical testing. Allele origin: germline.
Comment: The c.7277_7279delTCCinsCCT variant (also known as p.L2426_L2427delinsPF), located in coding exon 48 of the ATM gene, results from an in-frame deletion of TCC and insertion of CCT at nucleotide positions 7277 to 7279. This results in the substitution of two leucine residues for proline and phenylalanine residues at codons 2426 and 2427. The deleted amino acid positions are generally well conserved in available vertebrate species. Since supporting evidence is limited at this time, the clinical significance of this alteration remains unclear.